The following is an entry in ClinVar:

NM_030773.4(TUBB1):c.259C>T (p.Pro87Ser)

Gene: TUBB1 (tubulin beta 1 class VI; plus strand). Cytogenetic location: 20q13.32.
Variant type: single nucleotide variant.
Coding change: c.259C>T on transcript NM_030773.4 (MANE Select); coding-DNA position 259, C replaced by T.
Protein change: p.Pro87Ser; replaces proline 87 with serine.
Molecular consequence: missense variant.
Genome position (GRCh38, 1-based): chr20:59,023,582, C>T. VCF-style: chr20-59023582-C-T. GRCh37 (hg19) VCF-style: chr20-57598637-C-T.
Other names: short protein forms P87S.
Identifiers: ClinVar variation 3697941 (VCV003697941.2).

ClinVar aggregate classification (germline): Uncertain significance (1 of 4 stars; one submission).

Submission:

Labcorp Genetics (formerly Invitae), Labcorp
Classification: Uncertain significance. Last evaluated: 2024-10-17. Review status: criteria provided, single submitter. Criteria: Invitae Variant Classification Sherloc (09022015). Collection method: clinical testing. Allele origin: germline.
Comment: This sequence change replaces proline, which is neutral and non-polar, with serine, which is neutral and polar, at codon 87 of the TUBB1 protein (p.Pro87Ser). This variant is present in population databases (no rsID available, gnomAD 0.003%). This variant has not been reported in the literature in individuals affected with TUBB1-related conditions. Invitae Evidence Modeling of protein sequence and biophysical properties (such as structural, functional, and spatial information, amino acid conservation, physicochemical variation, residue mobility, and thermodynamic stability) indicates that this missense variant is expected to disrupt TUBB1 protein function with a positive predictive value of 80%. In summary, the available evidence is currently insufficient to determine the role of this variant in disease. Therefore, it has been classified as a Variant of Uncertain Significance.